The following is an entry in ClinVar:

ClinVar aggregate classification (germline): Uncertain significance (1 of 4 stars; one submission).

gnomAD v4.1: 11 of 1,613,652 alleles (0.00068%); highest among the groups gnomAD compares: East Asian, 0.011%; no homozygotes.

Submission:

Labcorp Genetics (formerly Invitae), Labcorp
Classification: Uncertain significance. Last evaluated: 2025-08-17. Review status: criteria provided, single submitter. Criteria: Invitae Variant Classification Sherloc (09022015). Collection method: clinical testing. Allele origin: germline.
Comment: This sequence change replaces serine, which is neutral and polar, with leucine, which is neutral and non-polar, at codon 1371 of the FLNB protein (p.Ser1371Leu). This variant is present in population databases (rs753939290, gnomAD 0.05%). This missense change has been observed in individual(s) with idiopathic scoliosis (PMID: 32381728). Invitae Evidence Modeling of protein sequence and biophysical properties (such as structural, functional, and spatial information, amino acid conservation, physicochemical variation, residue mobility, and thermodynamic stability) has been performed for this missense variant. However, the output from this modeling did not meet the statistical confidence thresholds required to predict the impact of this variant on FLNB protein function. In summary, the available evidence is currently insufficient to determine the role of this variant in disease. Therefore, it has been classified as a Variant of Uncertain Significance.

Literature cited by the submitters: PubMed 32381728.

NM_001457.4(FLNB):c.4112C>T (p.Ser1371Leu)

Gene: FLNB (filamin B; plus strand). Cytogenetic location: 3p14.3.
Variant type: single nucleotide variant.
Coding change: c.4112C>T on transcript NM_001457.4 (MANE Select); coding-DNA position 4112, C replaced by T.
Protein change: p.Ser1371Leu; replaces serine 1371 with leucine.
Molecular consequence: missense variant.
Genome position (GRCh38, 1-based): chr3:58,126,652, C>T. VCF-style: chr3-58126652-C-T. GRCh37 (hg19) VCF-style: chr3-58112379-C-T.
Other names: c.4112C>T, p.Ser1371Leu (NM_001164317.2, NM_001164318.2, NM_001164319.2); short protein forms S1371L.
Identifiers: ClinVar variation 4748191 (VCV004748191.1).